The following is an entry in ClinVar:

NM_005477.3(HCN4):c.207C>G (p.Ser69Arg)

Gene: HCN4 (hyperpolarization activated cyclic nucleotide gated potassium channel 4; minus strand). Cytogenetic location: 15q24.1.
Variant type: single nucleotide variant.
Coding change: c.207C>G on transcript NM_005477.3 (MANE Select); coding-DNA position 207, C replaced by G.
Protein change: p.Ser69Arg; replaces serine 69 with arginine.
Molecular consequence: missense variant.
Genome position (GRCh38, 1-based): chr15:73,368,064, G>C on the plus strand (C>G on the coding strand, the complement: HCN4 is on the minus strand). VCF-style: chr15-73368064-G-C. GRCh37 (hg19) VCF-style: chr15-73660405-G-C.
Other names: short protein forms S69R.
Identifiers: ClinVar variation 4269227 (VCV004269227.1).
Genomic context (GRCh38, chr15:73,368,064, plus strand): 5'-CGTGCTGGACTTGCCCGCGCCGCGGGCCGGCCCTTCGCTGTCCGCTGCCCCGAGGGCCGA[G>C]CTCCGGGACTCCGTGCCACCCGCGGCCGCCGAGGGGGAGGGCGAGGGCAGTGGCCGCAGC-3'
Protein context (NP_005468.1, residues 59-79): SAAAGGTESR[Ser69Arg]SALGAADSEG

ClinVar aggregate classification (germline): Uncertain significance (1 of 4 stars; one submission).

Conditions:
Cardiovascular phenotype. Identifiers: MedGen CN230736.

Submission:

Ambry Genetics
Classification: Uncertain significance for Cardiovascular phenotype. Last evaluated: 2025-07-22. Review status: criteria provided, single submitter. Criteria: Ambry Variant Classification Scheme 2023. Collection method: clinical testing. Allele origin: germline.
Comment: The p.S69R variant (also known as c.207C>G), located in coding exon 1 of the HCN4 gene, results from a C to G substitution at nucleotide position 207. The serine at codon 69 is replaced by arginine, an amino acid with dissimilar properties. This amino acid position is conserved. In addition, this alteration is predicted to be tolerated by in silico analysis. Based on the available evidence, the clinical significance of this variant remains unclear.